The following is an entry in ClinVar:

NM_173569.4(UBN2):c.467G>C (p.Arg156Pro)

Gene: UBN2 (ubinuclein 2; plus strand). Cytogenetic location: 7q34.
Variant type: single nucleotide variant.
Coding change: c.467G>C on transcript NM_173569.4 (MANE Select); coding-DNA position 467, G replaced by C.
Protein change: p.Arg156Pro; replaces arginine 156 with proline.
Molecular consequence: missense variant.
Genome position (GRCh38, 1-based): chr7:139,231,951, G>C. VCF-style: chr7-139231951-G-C. GRCh37 (hg19) VCF-style: chr7-138916697-G-C.
Other names: short protein forms R156P.
Identifiers: ClinVar variation 786411 (VCV000786411.15), dbSNP rs141209093, ClinGen allele CA4508618.
Genomic context (GRCh38, chr7:139,231,951, plus strand): 5'-CCACCGACGAGAGCTGCGTGGAGTTCAGTTACCCGGAGCTGCTGCTGTGCGGAGAACAAC[G>C]GGTACAGAAGATTCTTCCCTCCTGCCCCAGACCCCGGGAGCCTCAGGACCCGCCGCCTTC-3'
Protein context (NP_775840.3, residues 146-166): YPELLLCGEQ[Arg156Pro]KKLIHTEDPF

ClinVar aggregate classification (germline): Benign/Likely benign. Review status: criteria provided, multiple submitters, no conflicts (2 of 4 stars). 3 submissions from 3 submitters: Benign (2); Likely benign (1). Last evaluated 2025-06-01.

Allele frequency attached by ClinVar (database versions not stated): 1000 Genomes Project 0.00519; 1000 Genomes Project 30x 0.00531; ESP Exome Variant Server 0.00646; TOPMed 0.00652; gnomAD exomes 0.00694 and 0.00846; gnomAD 0.00714 and 0.00735; ExAC 0.00751.

Submissions (3):

CeGaT Center for Human Genetics Tuebingen
Classification: Likely benign. Last evaluated: 2025-06-01. Review status: criteria provided, single submitter. Criteria: CeGaT Center For Human Genetics Tuebingen Variant Classification Criteria Version 2. Collection method: clinical testing. Allele origin: germline. Affected: yes. Observed: 1 variant allele.
Comment: UBN2: BS2

Labcorp Genetics (formerly Invitae), Labcorp
Classification: Benign. Last evaluated: 2019-12-31. Review status: criteria provided, single submitter. Criteria: Invitae Variant Classification Sherloc (09022015). Collection method: clinical testing. Allele origin: germline.

Breakthrough Genomics
Classification: Benign. Review status: criteria provided, single submitter. Criteria: ACMG Guidelines, 2015. Collection method: not provided. Allele origin: germline. Inheritance: Unknown mechanism. Affected: yes.